The following is an entry in ClinVar:

ClinVar aggregate classification (germline): Uncertain significance (1 of 4 stars; one submission).

Conditions:
Bloom syndrome (BLM). Also called: Bloom-Torre-Machacek syndrome. Identifiers: Orphanet 125, MedGen C0005859, MONDO:0008876, OMIM 210900.

Submission:

Labcorp Genetics (formerly Invitae), Labcorp
Classification: Uncertain significance for Bloom syndrome. Last evaluated: 2023-03-17. Review status: criteria provided, single submitter. Criteria: Invitae Variant Classification Sherloc (09022015). Collection method: clinical testing. Allele origin: germline.
Comment: ClinVar contains an entry for this variant (Variation ID: 950007). This sequence change replaces alanine, which is neutral and non-polar, with threonine, which is neutral and polar, at codon 1177 of the BLM protein (p.Ala1177Thr). This variant is not present in population databases (gnomAD no frequency). This missense change has been observed in individual(s) with male breast cancer (PMID: 30613976). Advanced modeling of protein sequence and biophysical properties (such as structural, functional, and spatial information, amino acid conservation, physicochemical variation, residue mobility, and thermodynamic stability) has been performed at Invitae for this missense variant, however the output from this modeling did not meet the statistical confidence thresholds required to predict the impact of this variant on BLM protein function. In summary, the available evidence is currently insufficient to determine the role of this variant in disease. Therefore, it has been classified as a Variant of Uncertain Significance.

Literature cited by the submitters: PubMed 30613976.

NM_000057.4(BLM):c.3529G>A (p.Ala1177Thr)

Gene: BLM (BLM RecQ like helicase; plus strand). Cytogenetic location: 15q26.1.
Variant type: single nucleotide variant.
Coding change: c.3529G>A on transcript NM_000057.4 (MANE Select); coding-DNA position 3529, G replaced by A.
Protein change: p.Ala1177Thr; replaces alanine 1177 with threonine.
Molecular consequence: missense variant. On other transcripts: intron variant (1).
Genome position (GRCh38, 1-based): chr15:90,803,691, G>A. VCF-style: chr15-90803691-G-A. GRCh37 (hg19) VCF-style: chr15-91346921-G-A.
Other names: c.3529G>A, p.Ala1177Thr (NM_001287246.2); c.2404G>A, p.Ala802Thr (NM_001287248.2); c.3358+5354G>A (NM_001287247.2); short protein forms A1177T, A802T.
Identifiers: ClinVar variation 950007 (VCV000950007.10), dbSNP rs1897220102, ClinGen allele CA393847799.